The following is an entry in ClinVar:

ClinVar aggregate classification (germline): Uncertain significance (1 of 4 stars; one submission).

Conditions:
Bethlem myopathy 1A. Also called: Bethlem myopathy 1; MYOPATHY, BENIGN CONGENITAL, WITH CONTRACTURES; Bethlem Muscular Dystrophy. Identifiers: Orphanet 610, MedGen CN029274, MONDO:0024530, OMIM 158810.

Submission:

Labcorp Genetics (formerly Invitae), Labcorp
Classification: Uncertain significance for Bethlem myopathy 1A. Last evaluated: 2023-11-04. Review status: criteria provided, single submitter. Criteria: Invitae Variant Classification Sherloc (09022015). Collection method: clinical testing. Allele origin: germline.
Comment: This sequence change replaces arginine, which is basic and polar, with methionine, which is neutral and non-polar, at codon 2040 of the COL6A3 protein (p.Arg2040Met). This variant is not present in population databases (gnomAD no frequency). This variant has not been reported in the literature in individuals affected with COL6A3-related conditions. Advanced modeling of protein sequence and biophysical properties (such as structural, functional, and spatial information, amino acid conservation, physicochemical variation, residue mobility, and thermodynamic stability) performed at Invitae indicates that this missense variant is expected to disrupt COL6A3 protein function with a positive predictive value of 80%. In summary, the available evidence is currently insufficient to determine the role of this variant in disease. Therefore, it has been classified as a Variant of Uncertain Significance.

NM_004369.4(COL6A3):c.6119G>T (p.Arg2040Met)

Gene: COL6A3 (collagen type VI alpha 3 chain; minus strand). Cytogenetic location: 2q37.3.
Variant type: single nucleotide variant.
Coding change: c.6119G>T on transcript NM_004369.4 (MANE Select); coding-DNA position 6119, G replaced by T.
Protein change: p.Arg2040Met; replaces arginine 2040 with methionine.
Molecular consequence: missense variant.
Genome position (GRCh38, 1-based): chr2:237,361,776, C>A on the plus strand (G>T on the coding strand, the complement: COL6A3 is on the minus strand). VCF-style: chr2-237361776-C-A. GRCh37 (hg19) VCF-style: chr2-238270419-C-A.
Other names: c.4298G>T, p.Arg1433Met (NM_057166.5); c.5501G>T, p.Arg1834Met (NM_057167.4); short protein forms R1433M, R2040M, R1834M.
Identifiers: ClinVar variation 2807399 (VCV002807399.3), dbSNP rs2469867198, ClinGen allele CA351217785.